The following is an entry in ClinVar:

NM_000258.3(MYL3):c.366C>T (p.Ser122=)

Gene: MYL3 (myosin light chain 3; minus strand). Cytogenetic location: 3p21.31.
Variant type: single nucleotide variant.
Coding change: c.366C>T on transcript NM_000258.3 (MANE Select); coding-DNA position 366, C replaced by T.
Protein change: p.Ser122=; no amino-acid change (serine 122 retained).
Molecular consequence: synonymous variant.
Genome position (GRCh38, 1-based): chr3:46,859,590, G>A on the plus strand (C>T on the coding strand, the complement: MYL3 is on the minus strand). VCF-style: chr3-46859590-G-A. GRCh37 (hg19) VCF-style: chr3-46901080-G-A.
Other names: c.366C>T, p.Ser122= (NM_001406937.1, NM_001406938.1, NM_001406939.1); c.192C>T, p.Ser64= (NM_001406940.1, NM_001406941.1).
Identifiers: ClinVar variation 3074932 (VCV003074932.1), dbSNP rs2544965319, ClinGen allele CA433474422.

ClinVar aggregate classification (germline): Likely benign (1 of 4 stars; one submission).

Conditions:
Hypertrophic cardiomyopathy. Also called: HYPERTROPHIC MYOCARDIOPATHY. Identifiers: Orphanet 217569, MedGen C0007194, MeSH D002312, MONDO:0005045, HP:0001639.

Allele frequency attached by ClinVar (database versions not stated): gnomAD exomes below 0.00001.
gnomAD v4.1: 1 of 1,614,192 alleles (0.000062%); highest among the groups gnomAD compares: Non-Finnish European, 0.000085%; no homozygotes.

Submission:

All of Us Research Program, National Institutes of Health
Classification: Likely benign for Hypertrophic cardiomyopathy. Last evaluated: 2023-12-13. Review status: criteria provided, single submitter. Criteria: ACMG Guidelines, 2015. Collection method: clinical testing. Allele origin: germline. Inheritance: Autosomal dominant inheritance. Observed: 1 variant allele, 1 heterozygote.
Comment: This study involves interpretation of variants in research participants for the purpose of population health screening. Participant phenotype was not available at the time of variant classification. Additional details can be found in publication PMID: 35346344, PMCID: PMC8962531